The following is an entry in ClinVar:

NM_001322934.2(NFKB2):c.276G>C (p.Glu92Asp)

Gene: NFKB2 (nuclear factor kappa B subunit 2; plus strand). Cytogenetic location: 10q24.32.
Variant type: single nucleotide variant.
Coding change: c.276G>C on transcript NM_001322934.2 (MANE Select); coding-DNA position 276, G replaced by C.
Protein change: p.Glu92Asp; replaces glutamic acid 92 with aspartic acid.
Molecular consequence: missense variant.
Genome position (GRCh38, 1-based): chr10:102,396,936, G>C. VCF-style: chr10-102396936-G-C. GRCh37 (hg19) VCF-style: chr10-104156693-G-C.
Other names: c.276G>C, p.Glu92Asp (NM_001077494.3, NM_001261403.3, NM_001288724.1 and 2 more transcripts); short protein forms E92D.
Identifiers: ClinVar variation 4056658 (VCV004056658.1).

ClinVar aggregate classification (germline): Uncertain significance (1 of 4 stars; one submission).

Conditions:
Immunodeficiency, common variable, 10. Also called: IMMUNODEFICIENCY, COMMON VARIABLE, WITH CENTRAL ADRENAL INSUFFICIENCY; DEFICIT IN ANTERIOR PITUITARY FUNCTION AND VARIABLE IMMUNODEFICIENCY. Identifiers: MedGen C3809991, MONDO:0014260, OMIM 615577.

Submission:

Laboratorio de Genetica e Diagnostico Molecular, Hospital Israelita Albert Einstein
Classification: Uncertain significance for Immunodeficiency, common variable, 10. Last evaluated: 2024-11-28. Review status: criteria provided, single submitter. Criteria: ACMG Guidelines, 2015. Collection method: clinical testing. Allele origin: germline. Affected: yes.
Comment: ACMG classification criteria: PM2 supporting, BP4 supporting